The following is an entry in ClinVar:

NM_001282144.2(NLRX1):c.966C>T (p.Phe322=)

Gene: NLRX1 (NLR family member X1; plus strand). Cytogenetic location: 11q23.3.
Variant type: single nucleotide variant.
Coding change: c.966C>T on transcript NM_001282144.2 (MANE Select); coding-DNA position 966, C replaced by T.
Protein change: p.Phe322=; no amino-acid change (phenylalanine 322 retained).
Molecular consequence: synonymous variant.
Genome position (GRCh38, 1-based): chr11:119,174,569, C>T. VCF-style: chr11-119174569-C-T. GRCh37 (hg19) VCF-style: chr11-119045278-C-T.
Other names: c.966C>T, p.Phe322= (NM_001282143.2, NM_001282358.2, NM_024618.4).
Identifiers: ClinVar variation 103150 (VCV000103150.2), dbSNP rs199476044, ClinGen allele CA230191.

ClinVar aggregate classification (germline): not provided (0 of 4 stars; one submission).

Allele frequency attached by ClinVar (database versions not stated): TOPMed below 0.00001; gnomAD 0.00001 and 0.00002; gnomAD exomes 0.00001; ExAC 0.00002.
gnomAD v4.1: 12 of 1,614,168 alleles (0.00074%); highest among the groups gnomAD compares: Non-Finnish European, 0.001%; no homozygotes.

Submission:

Human Evolutionary Genetics, Institut Pasteur
No classification provided. Review status: no classification provided. Collection method: not provided. Allele origin: germline.
ClinVar note: Converted during submission from untested to not provided.